The following is an entry in ClinVar:

NM_006415.4(SPTLC1):c.386del (p.Gly129fs)

Gene: SPTLC1 (serine palmitoyltransferase long chain base subunit 1; minus strand). Cytogenetic location: 9q22.31.
Variant type: Deletion.
Coding change: c.386del on transcript NM_006415.4 (MANE Select); coding-DNA position 386, one base deleted (G; older notation c.386delG).
Protein change: p.Gly129fs; shifts the reading frame from glycine 129.
Molecular consequence: frameshift variant. On other transcripts: 5 prime UTR variant (2).
Genome position (GRCh38, 1-based): chr9:92,080,057, C deleted on the plus strand (G on the coding strand, the reverse complement: SPTLC1 is on the minus strand); the first of 2 consecutive C bases (chr9:92,080,057-92,080,058); deleting either gives the same sequence. VCF-style (leftmost placement, unchanged base first): chr9-92080056-GC-G. GRCh37 (hg19) VCF-style: chr9-94842338-GC-G.
Other names: c.386del, p.Gly129fs (NM_001281303.2, NM_178324.3); c.-114del (NM_001368272.1); c.-80del (NM_001368273.1); short protein forms G129fs.
Identifiers: ClinVar variation 526707 (VCV000526707.10), dbSNP rs1554711394, ClinGen allele CA658797221.

ClinVar aggregate classification (germline): Uncertain significance (1 of 4 stars; one submission).

Conditions:
Hereditary sensory and autonomic neuropathy type 1 (HSAN1). Also called: HSAN 1; HSN Type I; Hereditary Sensory Neuropathy Type I. Identifiers: Orphanet 36386, MedGen C0020071, MONDO:0018213.

Submission:

Labcorp Genetics (formerly Invitae), Labcorp
Classification: Uncertain significance for Hereditary sensory and autonomic neuropathy type 1. Last evaluated: 2019-05-21. Review status: criteria provided, single submitter. Criteria: Invitae Variant Classification Sherloc (09022015). Collection method: clinical testing. Allele origin: germline.
Comment: This sequence change creates a premature translational stop signal (p.Gly129Alafs*28) in the SPTLC1 gene. It is expected to result in an absent or disrupted protein product. This variant is not present in population databases (ExAC no frequency). This variant has not been reported in the literature in individuals with SPTLC1-related disease. A missense substitution downstream of this frameshift (p.Val144Asp) has been determined to be pathogenic (PMID: 11242114, 19132419, 25584079, 24673574, 26681808). This suggests that the Val144 residue is critical for SPTLC1 protein function and that other variants that cause disruption of this position may also be pathogenic. The current clinical and genetic evidence is not sufficient to establish whether loss-of-function variants in SPTLC1 cause disease. In summary, the available evidence is currently insufficient to determine the role of this variant in disease. Therefore, it has been classified as a Variant of Uncertain Significance.

Literature cited by the submitters: PubMed 11242114; PubMed 19132419; PubMed 25584079; PubMed 24673574; PubMed 26681808.